The following is an entry in ClinVar:

NM_031935.3(HMCN1):c.15713T>C (p.Val5238Ala)

Gene: HMCN1 (hemicentin 1; plus strand). Cytogenetic location: 1q31.1.
Variant type: single nucleotide variant.
Coding change: c.15713T>C on transcript NM_031935.3 (MANE Select); coding-DNA position 15713, T replaced by C.
Protein change: p.Val5238Ala; replaces valine 5238 with alanine.
Molecular consequence: missense variant.
Genome position (GRCh38, 1-based): chr1:186,172,030, T>C. VCF-style: chr1-186172030-T-C. GRCh37 (hg19) VCF-style: chr1-186141162-T-C.
Other names: short protein forms V5238A.
Identifiers: ClinVar variation 4776438 (VCV004776438.1).

ClinVar aggregate classification (germline): Uncertain significance (1 of 4 stars; one submission).

gnomAD v4.1: 3 of 1,613,616 alleles (0.00019%); highest among the groups gnomAD compares: Non-Finnish European, 0.000085%; no homozygotes.

Submission:

Labcorp Genetics (formerly Invitae), Labcorp
Classification: Uncertain significance. Last evaluated: 2025-04-07. Review status: criteria provided, single submitter. Criteria: Invitae Variant Classification Sherloc (09022015). Collection method: clinical testing. Allele origin: germline.
Comment: This sequence change replaces valine, which is neutral and non-polar, with alanine, which is neutral and non-polar, at codon 5238 of the HMCN1 protein (p.Val5238Ala). This variant is not present in population databases (gnomAD no frequency). This variant has not been reported in the literature in individuals affected with HMCN1-related conditions. An algorithm developed to predict the effect of missense changes on protein structure and function (PolyPhen-2) suggests that this variant is likely to be disruptive. In summary, the available evidence is currently insufficient to determine the role of this variant in disease. Therefore, it has been classified as a Variant of Uncertain Significance.